The following is an entry in ClinVar:

NM_000059.4(BRCA2):c.7670C>A (p.Ala2557Glu)

Gene: BRCA2 (BRCA2 DNA repair associated; plus strand). Cytogenetic location: 13q13.1.
Variant type: single nucleotide variant.
Coding change: c.7670C>A on transcript NM_000059.4 (MANE Select); coding-DNA position 7670, C replaced by A.
Protein change: p.Ala2557Glu; replaces alanine 2557 with glutamic acid.
Molecular consequence: missense variant.
Genome position (GRCh38, 1-based): chr13:32,357,794, C>A. VCF-style: chr13-32357794-C-A. GRCh37 (hg19) VCF-style: chr13-32931931-C-A.
Other names: c.7574C>A, p.Ala2525Glu (NM_001406719.1); c.7670C>A, p.Ala2557Glu (NM_001406720.1); c.2738C>A, p.Ala913Glu (NM_001406721.1); c.1253C>A, p.Ala418Glu (NM_001406722.1); short protein forms A2557E, A913E, A2525E, A418E.
Identifiers: ClinVar variation 1760076 (VCV001760076.2), dbSNP rs775219538, ClinGen allele CA387745046.

ClinVar aggregate classification (germline): Uncertain significance (1 of 4 stars; one submission).

Conditions:
Hereditary cancer-predisposing syndrome. Also called: Neoplastic Syndromes, Hereditary; Tumor predisposition; Hereditary Cancer Syndrome; Hereditary neoplastic syndrome. Identifiers: Orphanet 140162, MedGen C0027672, MeSH D009386, MONDO:0015356.

Submission:

Ambry Genetics
Classification: Uncertain significance for Hereditary cancer-predisposing syndrome. Last evaluated: 2021-10-04. Review status: criteria provided, single submitter. Criteria: Ambry Variant Classification Scheme 2023. Collection method: clinical testing. Allele origin: germline.
Comment: The p.A2557E variant (also known as c.7670C>A), located in coding exon 15 of the BRCA2 gene, results from a C to A substitution at nucleotide position 7670. The alanine at codon 2557 is replaced by glutamic acid, an amino acid with dissimilar properties. This amino acid position is well conserved in available vertebrate species. In addition, this alteration is predicted to be deleterious by in silico analysis. Since supporting evidence is limited at this time, the clinical significance of this alteration remains unclear.